The following is an entry in ClinVar:

NM_012254.3(SLC27A5):c.724C>G (p.Leu242Val)

Gene: SLC27A5 (solute carrier family 27 member 5; minus strand). Cytogenetic location: 19q13.43.
Variant type: single nucleotide variant.
Coding change: c.724C>G on transcript NM_012254.3 (MANE Select); coding-DNA position 724, C replaced by G.
Protein change: p.Leu242Val; replaces leucine 242 with valine.
Molecular consequence: missense variant.
Genome position (GRCh38, 1-based): chr19:58,510,895, G>C on the plus strand (C>G on the coding strand, the complement: SLC27A5 is on the minus strand). VCF-style: chr19-58510895-G-C. GRCh37 (hg19) VCF-style: chr19-59022262-G-C.
Other names: c.472C>G, p.Leu158Val (NM_001321196.2); short protein forms L158V, L242V.
Identifiers: ClinVar variation 4810050 (VCV004810050.1).

ClinVar aggregate classification (germline): Uncertain significance (1 of 4 stars; one submission).

Submission:

Labcorp Genetics (formerly Invitae), Labcorp
Classification: Uncertain significance. Last evaluated: 2025-02-13. Review status: criteria provided, single submitter. Criteria: Invitae Variant Classification Sherloc (09022015). Collection method: clinical testing. Allele origin: germline.
Comment: This sequence change replaces leucine, which is neutral and non-polar, with valine, which is neutral and non-polar, at codon 242 of the SLC27A5 protein (p.Leu242Val). This variant is not present in population databases (gnomAD no frequency). This variant has not been reported in the literature in individuals affected with SLC27A5-related conditions. An algorithm developed to predict the effect of missense changes on protein structure and function (PolyPhen-2) suggests that this variant is likely to be disruptive. In summary, the available evidence is currently insufficient to determine the role of this variant in disease. Therefore, it has been classified as a Variant of Uncertain Significance.